The following is an entry in ClinVar:

NM_005572.4(LMNA):c.1711_1712delinsTC (p.Arg571Ser)

Gene: LMNA (lamin A/C; plus strand). Cytogenetic location: 1q22.
Variant type: Indel.
Coding change: c.1711_1712delinsTC on transcript NM_005572.4 (MANE Plus Clinical); coding-DNA positions 1711 to 1712, CG replaced by TC.
Protein change: p.Arg571Ser; replaces arginine 571 with serine.
Molecular consequence: missense variant. On other transcripts: intron variant (4).
Genome position (GRCh38, 1-based): chr1:156,137,756-156,137,757, CG replaced by TC. VCF-style: chr1-156137756-CG-TC. GRCh37 (hg19) VCF-style: chr1-156107547-CG-TC.
Other names: c.1468_1469delinsTC, p.Arg490Ser (NM_001282624.2); c.1711_1712delinsTC, p.Arg571Ser (NM_001282625.2); c.1698+13_1698+14delinsTC (NM_170707.4, NM_001282626.2); c.1608+524_1608+525delinsTC (NM_170708.4); c.1362+13_1362+14delinsTC (NM_001257374.3); c.1468_1469delinsTC (NM_001282624.1); c.1711_1712delinsTC (NM_001282625.1); short protein forms R490S, R571S.
Identifiers: ClinVar variation 200963 (VCV000200963.26), dbSNP rs794728612, ClinGen allele CA017680.

ClinVar aggregate classification (germline): Conflicting classifications of pathogenicity. Review status: criteria provided, conflicting classifications (1 of 4 stars). 8 submissions from 8 submitters: Pathogenic (1); Uncertain significance (7). Last evaluated 2026-06-09.

Conditions:
LMNA-related disorder. Also called: LMNA-related condition; LMNA-related disease; LMNA-related disorders. Identifiers: MedGen CN380145.
Cardiovascular phenotype. Identifiers: MedGen CN230736.
Charcot-Marie-Tooth disease type 2. Also called: Charcot-Marie-Tooth type 2. Identifiers: Orphanet 64746, MedGen C0270914, MONDO:0018993.
Cardiomyopathy (CMYO). Also called: Cardiomyopathies. Identifiers: Orphanet 167848, MedGen C0878544, MONDO:0004994, HP:0001638. Inheritance: Various modes of inheritance.
Dilated cardiomyopathy-hypergonadotropic hypogonadism syndrome. Also called: CARDIOGENITAL SYNDROME; CARDIOMYOPATHY WITH PRIMARY TESTICULAR FAILURE; CARDIOMYOPATHY, DILATED, WITH HYPERGONADOTROPIC HYPOGONADISM; CARDIOMYOPATHY, CONGESTIVE, WITH HYPERGONADOTROPIC HYPOGONADISM; CARDIOMYOPATHY, DILATED, WITH PREMATURE OVARIAN FAILURE; NAJJAR SYNDROME. Identifiers: Orphanet 2229, MedGen C0796031, MONDO:0008915, OMIM 212112.

Submissions (8):

PreventionGenetics, part of Exact Sciences
Classification: Uncertain significance for LMNA-related condition. Last evaluated: 2026-06-09. Review status: criteria provided, single submitter. Criteria: ACMG Guidelines, 2015. Collection method: clinical testing. Allele origin: germline.
Comment: The LMNA c.1711_1712delinsTC variant is predicted to result in an in-frame deletion and insertion. Of note, this variant could also be referred to as c.1698+13_1698+14delinsTC with transcript NM_170707.2 and is not predicted to significantly alter splicing (SpliceAI, Jaganathan et al. 2019. PubMed ID: 30661751). This variant was reported in two siblings with lipodystrophy and the deceased father had similar clinical features (Patni et al. 2017. PubMed ID: 28686329). In this study, no effect on mRNA splicing or lamin A or C mRNA or protein expression was observed in patient lymphoblasts. The same amino acid change (c.1711C>A, p.Arg571Ser) was also reported in 8 affected family members with dilated cardiomyopathy and conduction-system disease, but also detected in 3 asymptomatic family members who were all under 30 years of age (Fatkin D et al 1999. PubMed ID: 10580070). The p.Arg571Ser was recently reported in another patient with limb-girdle weakness and functional analysis indicated that multiple pathways were altered in cells from this patient (De Las Heras et al. 2023. PubMed ID: 36282542). A different amino acid change at this position (p.Arg571Cys) has also been reported in many individuals with clinical features of laminopathy, but this variant is also reported in gnomAD (Benedetti et al. 2005. PubMed ID: 15965218; Magagnotti. 2012. PubMed ID: 22326558; Li et al. 2020. PubMed ID: 31521807). To our knowledge, this variant has not been reported in a large population database (gnomAD), indicating this variant is rare. Although we suspect that this variant could be contributing to varied laminopathy phenotypes, at this time, the clinical significance of this variant is uncertain due to the absence of conclusive functional and genetic evidence.

GeneDx
Classification: Uncertain significance. Last evaluated: 2026-02-06. Review status: criteria provided, single submitter. Criteria: GeneDx Variant Classification Process June 2021. Collection method: clinical testing. Allele origin: germline. Affected: yes.
Comment: Functional analysis showed that this variant had no effect on RNA splicing, lamin A/C mRNA, or protein expression in the lymphoblasts (PMID: 28686329); In silico analysis supports that this missense variant does not alter protein structure/function; Reported using an alternate transcript of the gene; This variant is associated with the following publications: (PMID: 36282542, 28686329, 38702915, 10580070, 10939567)

Labcorp Genetics (formerly Invitae), Labcorp
Classification: Pathogenic for Charcot-Marie-Tooth disease type 2. Last evaluated: 2026-01-27. Review status: criteria provided, single submitter. Criteria: Invitae Variant Classification Sherloc (09022015). Collection method: clinical testing. Allele origin: germline.
Comment: This sequence change falls in intron 10 of the LMNA gene. It does not directly change the encoded amino acid sequence of the LMNA protein. Information on the frequency of this variant in the gnomAD database is not available, as this variant may be reported differently in the database. This variant has been observed in individuals with clinical features of autosomal dominant LMNA-related conditions (PMID: 10580070; internal data). It has also been observed to segregate with disease in related individuals. This variant is also known as c.1711_1712CG>TC (p.Arg571Ser) . ClinVar contains an entry for this variant (Variation ID: 200963). For these reasons, this variant has been classified as Pathogenic.

CeGaT Center for Human Genetics Tuebingen
Classification: Uncertain significance. Last evaluated: 2025-10-01. Review status: criteria provided, single submitter. Criteria: CeGaT Center For Human Genetics Tuebingen Variant Classification Criteria Version 2. Collection method: clinical testing. Allele origin: germline. Affected: yes. Observed: 1 variant allele.
Comment: LMNA: PM2

Color Diagnostics, LLC DBA Color Health
Classification: Uncertain significance for Cardiomyopathy. Last evaluated: 2025-08-27. Review status: criteria provided, single submitter. Criteria: ACMG Guidelines, 2015. Collection method: clinical testing. Allele origin: germline.
Comment: This variant deletes and inserts two nucleotides, resulting in replacing arginine with serine at codon 571 (p.Arg571Ser) at the C-terminal end of the lamin C protein (NM_005572.3) encoded by the LMNA gene. Computational prediction suggests that this variant may not impact protein structure and function. This variant corresponds to c.1698+13_1698+14delinsTC in the lamin A transcript (NM_170707.3). An RNA splicing study has shown that this variant does not affect RNA splicing (PMID: 28686329). This variant has been reported in two individuals in one family affected with juvenile-onset generalized lipodystrophy (PMID: 28686329). This variant has not been identified in the general population by the Genome Aggregation Database (gnomAD). A different variant causing the same protein effect (c.1711C>A, p.Arg571Ser) has been reported in 3 related individuals affected with dilated cardiomyopathy (PMID: 10580070). The available evidence is insufficient to determine the role of this variant in disease conclusively. Therefore, this variant is classified as a Variant of Uncertain Significance.

Baylor Genetics
Classification: Uncertain significance for Dilated cardiomyopathy-hypergonadotropic hypogonadism syndrome. Last evaluated: 2023-02-28. Review status: criteria provided, single submitter. Criteria: ACMG Guidelines, 2015. Collection method: clinical testing. Allele origin: unknown.

Eurofins Ntd Llc (ga)
Classification: Uncertain significance. Last evaluated: 2016-04-27. Review status: criteria provided, single submitter. Criteria: EGL Classification Definitions 2015. Collection method: clinical testing. Allele origin: germline. Observed: 2 variant alleles, 2 heterozygotes.

Ambry Genetics
Classification: Uncertain significance for Cardiovascular phenotype. Last evaluated: 2013-06-26. Review status: criteria provided, single submitter. Criteria: Ambry Autosomal Dominant and X-Linked criteria (10/2015). Collection method: clinical testing. Allele origin: germline. Observed: 1 variant allele.
Comment: There is insufficient or conflicting evidence for classification of this alteration.

Literature cited by the submitters: PubMed 10580070 (cited by Labcorp Genetics (formerly Invitae), Labcorp and Color Diagnostics, LLC DBA Color Health); PubMed 28686329 (cited by Color Diagnostics, LLC DBA Color Health).